The following is an entry in ClinVar:

NM_003060.4(SLC22A5):c.197C>T (p.Thr66Ile)

Gene: SLC22A5 (solute carrier family 22 member 5; plus strand). Cytogenetic location: 5q31.1.
Variant type: single nucleotide variant.
Coding change: c.197C>T on transcript NM_003060.4 (MANE Select); coding-DNA position 197, C replaced by T.
Protein change: p.Thr66Ile; replaces threonine 66 with isoleucine.
Molecular consequence: missense variant.
Genome position (GRCh38, 1-based): chr5:132,370,169, C>T. VCF-style: chr5-132370169-C-T. GRCh37 (hg19) VCF-style: chr5-131705861-C-T.
Other names: p.Thr66Ile; c.197C>T, p.Thr66Ile (NM_001308122.2); short protein forms T66I.
Identifiers: ClinVar variation 1366081 (VCV001366081.7), dbSNP rs1169005119, ClinGen allele CA360802577.

ClinVar aggregate classification (germline): Conflicting classifications of pathogenicity. Review status: criteria provided, conflicting classifications (1 of 4 stars). 2 submissions from 2 submitters: Uncertain significance (1); Likely benign (1). Last evaluated 2022-10-03.

Conditions:
Renal carnitine transport defect (CDSP). Also called: Primary carnitine deficiency; CARNITINE DEFICIENCY, SYSTEMIC, DUE TO DEFECT IN RENAL REABSORPTION OF CARNITINE; CARNITINE TRANSPORTER, PLASMA-MEMBRANE, DEFICIENCY OF; CARNITINE UPTAKE DEFECT; Carnitine Deficiency, Systemic; Systemic primary carnitine deficiency. Identifiers: Orphanet 158, MedGen C0342788, MONDO:0008919, OMIM 212140.

Allele frequency attached by ClinVar (database versions not stated): gnomAD exomes 0.00001.

Submissions (2):

Giacomini Lab, University of California, San Francisco
Classification: Likely benign for Renal carnitine transport defect. Last evaluated: 2022-10-03. Review status: criteria provided, single submitter. Criteria: ACMG Guidelines, 2015. Collection method: research, in vitro. Allele origin: germline, not applicable.

Labcorp Genetics (formerly Invitae), Labcorp
Classification: Uncertain significance for Renal carnitine transport defect. Last evaluated: 2022-03-19. Review status: criteria provided, single submitter. Criteria: Invitae Variant Classification Sherloc (09022015). Collection method: clinical testing. Allele origin: germline.
Comment: This sequence change replaces threonine, which is neutral and polar, with isoleucine, which is neutral and non-polar, at codon 66 of the SLC22A5 protein (p.Thr66Ile). This variant is present in population databases (no rsID available, gnomAD 0.003%). This variant has not been reported in the literature in individuals affected with SLC22A5-related conditions. Algorithms developed to predict the effect of missense changes on protein structure and function (SIFT, PolyPhen-2, Align-GVGD) all suggest that this variant is likely to be tolerated. In summary, the available evidence is currently insufficient to determine the role of this variant in disease. Therefore, it has been classified as a Variant of Uncertain Significance.